The following is an entry in ClinVar:

NM_000038.6(APC):c.3172G>T (p.Asp1058Tyr)

Gene: APC (APC regulator of Wnt signaling pathway; plus strand). Cytogenetic location: 5q22.2.
Variant type: single nucleotide variant.
Coding change: c.3172G>T on transcript NM_000038.6 (MANE Select); coding-DNA position 3172, G replaced by T.
Protein change: p.Asp1058Tyr; replaces aspartic acid 1058 with tyrosine.
Molecular consequence: missense variant.
Genome position (GRCh38, 1-based): chr5:112,838,766, G>T. VCF-style: chr5-112838766-G-T. GRCh37 (hg19) VCF-style: chr5-112174463-G-T.
Other names: c.3226G>T, p.Asp1076Tyr (NM_001354896.2, NM_001407448.1, NM_001407449.1 and 1 more transcripts); c.3202G>T, p.Asp1068Tyr (NM_001354897.2); c.3097G>T, p.Asp1033Tyr (NM_001354898.2); c.3088G>T, p.Asp1030Tyr (NM_001354899.2); c.3049G>T, p.Asp1017Tyr (NM_001354900.2); c.2995G>T, p.Asp999Tyr (NM_001354901.2, NM_001407453.1); c.2899G>T, p.Asp967Tyr (NM_001354902.2); c.2869G>T, p.Asp957Tyr (NM_001354903.2, NM_001407458.1, NM_001407459.1 and 1 more transcripts); and 11 more; short protein forms D1040Y, D957Y, D999Y, D1033Y, D1058Y, D1068Y, D1076Y, D1086Y.
Identifiers: ClinVar variation 1728454 (VCV001728454.2), dbSNP rs780872106, ClinGen allele CA16028285.

ClinVar aggregate classification (germline): Uncertain significance (1 of 4 stars; one submission).

Conditions:
Hereditary cancer-predisposing syndrome. Also called: Tumor predisposition; Neoplastic Syndromes, Hereditary; Hereditary Cancer Syndrome; Hereditary neoplastic syndrome. Identifiers: Orphanet 140162, MedGen C0027672, MeSH D009386, MONDO:0015356.

Submission:

Ambry Genetics
Classification: Uncertain significance for Hereditary cancer-predisposing syndrome. Last evaluated: 2021-06-30. Review status: criteria provided, single submitter. Criteria: Ambry Variant Classification Scheme 2023. Collection method: clinical testing. Allele origin: germline.
Comment: The p.D1058Y variant (also known as c.3172G>T), located in coding exon 15 of the APC gene, results from a G to T substitution at nucleotide position 3172. The aspartic acid at codon 1058 is replaced by tyrosine, an amino acid with highly dissimilar properties. This amino acid position is highly conserved in available vertebrate species. In addition, in silico predictors for this gene do not accurately predict pathogenicity. Since supporting evidence is limited at this time, the clinical significance of this alteration remains unclear.